The following is an entry in ClinVar:

ClinVar aggregate classification (germline): Uncertain significance (1 of 4 stars; one submission).

Submission:

Labcorp Genetics (formerly Invitae), Labcorp
Classification: Uncertain significance. Last evaluated: 2021-07-09. Review status: criteria provided, single submitter. Criteria: Invitae Variant Classification Sherloc (09022015). Collection method: clinical testing. Allele origin: germline.
Comment: This sequence change replaces glycine with arginine at codon 415 of the COL9A3 protein (p.Gly415Arg). The glycine residue is highly conserved and there is a moderate physicochemical difference between glycine and arginine. This variant is not present in population databases (ExAC no frequency). This variant has not been reported in the literature in individuals with COL9A3-related conditions. Advanced modeling of protein sequence and biophysical properties (such as structural, functional, and spatial information, amino acid conservation, physicochemical variation, residue mobility, and thermodynamic stability) performed at Invitae indicates that this missense variant is expected to disrupt COL9A3 protein function. In summary, the available evidence is currently insufficient to determine the role of this variant in disease. Therefore, it has been classified as a Variant of Uncertain Significance.

NM_001853.4(COL9A3):c.1243G>C (p.Gly415Arg)

Gene: COL9A3 (collagen type IX alpha 3 chain; plus strand). Cytogenetic location: 20q13.33.
Variant type: single nucleotide variant.
Coding change: c.1243G>C on transcript NM_001853.4 (MANE Select); coding-DNA position 1243, G replaced by C.
Protein change: p.Gly415Arg; replaces glycine 415 with arginine.
Molecular consequence: missense variant.
Genome position (GRCh38, 1-based): chr20:62,830,544, G>C. VCF-style: chr20-62830544-G-C. GRCh37 (hg19) VCF-style: chr20-61461896-G-C.
Other names: short protein forms G415R.
Identifiers: ClinVar variation 1485683 (VCV001485683.8), dbSNP rs200852092, ClinGen allele CA409594730.